The following is an entry in ClinVar:

NM_004698.4(PRPF3):c.1204A>G (p.Thr402Ala)

Gene: PRPF3 (pre-mRNA processing factor 3; plus strand). Cytogenetic location: 1q21.2.
Variant type: single nucleotide variant.
Coding change: c.1204A>G on transcript NM_004698.4 (MANE Select); coding-DNA position 1204, A replaced by G.
Protein change: p.Thr402Ala; replaces threonine 402 with alanine.
Molecular consequence: missense variant. On other transcripts: non-coding transcript variant (3).
Genome position (GRCh38, 1-based): chr1:150,340,399, A>G. VCF-style: chr1-150340399-A-G. GRCh37 (hg19) VCF-style: chr1-150312875-A-G.
Other names: c.799A>G, p.Thr267Ala (NM_001350529.1); short protein forms T402A, T267A.
Identifiers: ClinVar variation 834863 (VCV000834863.12), dbSNP rs142080861, ClinGen allele CA1075569.

ClinVar aggregate classification (germline): Conflicting classifications of pathogenicity. Review status: criteria provided, conflicting classifications (1 of 4 stars). 5 submissions from 5 submitters: Uncertain significance (4); Likely benign (1). Last evaluated 2026-08-24.

Conditions:
Inborn genetic diseases. Identifiers: MedGen C0950123, MeSH D030342.
PRPF3-related disorder. Also called: PRPF3-related condition.

Allele frequency attached by ClinVar (database versions not stated): TOPMed 0.00005; gnomAD 0.00007 and 0.00009; gnomAD exomes 0.00008 and 0.00009; ExAC 0.00009; ESP Exome Variant Server 0.00015.
gnomAD v4.1: 140 of 1,588,208 alleles (0.0088%); highest among the groups gnomAD compares: Middle Eastern, 0.1%; 1 homozygote.

Submissions (5):

PreventionGenetics, part of Exact Sciences
Classification: Uncertain significance for PRPF3-related condition. Last evaluated: 2026-08-24. Review status: criteria provided, single submitter. Criteria: ACMG Guidelines, 2015. Collection method: clinical testing. Allele origin: germline.
Comment: The PRPF3 c.1204A>G variant is predicted to result in the amino acid substitution p.Thr402Ala. To our knowledge, this variant has not been reported in the literature in association with retinal disease. This variant is reported in 0.013% of alleles in individuals of European (Non-Finnish) descent in gnomAD, which may be too frequent to be a primary cause of disease. Although we suspect that this variant may be benign, at this time, the clinical significance of this variant is uncertain due to the absence of conclusive functional and genetic evidence.

Labcorp Genetics (formerly Invitae), Labcorp
Classification: Uncertain significance. Last evaluated: 2025-12-16. Review status: criteria provided, single submitter. Criteria: Invitae Variant Classification Sherloc (09022015). Collection method: clinical testing. Allele origin: germline.
Comment: This sequence change replaces threonine, which is neutral and polar, with alanine, which is neutral and non-polar, at codon 402 of the PRPF3 protein (p.Thr402Ala). This variant is present in population databases (rs142080861, gnomAD 0.01%). This variant has not been reported in the literature in individuals affected with PRPF3-related conditions. ClinVar contains an entry for this variant (Variation ID: 834863). Invitae Evidence Modeling of protein sequence and biophysical properties (such as structural, functional, and spatial information, amino acid conservation, physicochemical variation, residue mobility, and thermodynamic stability) indicates that this missense variant is not expected to disrupt PRPF3 protein function with a negative predictive value of 95%. In summary, the available evidence is currently insufficient to determine the role of this variant in disease. Therefore, it has been classified as a Variant of Uncertain Significance.

Ambry Genetics
Classification: Uncertain significance for Inborn genetic diseases. Last evaluated: 2025-07-03. Review status: criteria provided, single submitter. Criteria: Ambry Variant Classification Scheme 2023. Collection method: clinical testing. Allele origin: germline.

Blueprint Genetics
Classification: Likely benign. Last evaluated: 2024-11-12. Review status: criteria provided, single submitter. Criteria: ACMG Guidelines, 2015. Collection method: clinical testing. Allele origin: germline.

Breakthrough Genomics
Classification: Uncertain significance. Review status: criteria provided, single submitter. Criteria: ACMG Guidelines, 2015. Collection method: not provided. Allele origin: germline. Inheritance: Autosomal dominant inheritance. Affected: yes.